The following is an entry in ClinVar:

NM_058216.3(RAD51C):c.394A>C (p.Thr132Pro)

Gene: RAD51C (RAD51 paralog C; plus strand). Cytogenetic location: 17q22.
Variant type: single nucleotide variant.
Coding change: c.394A>C on transcript NM_058216.3 (MANE Select); coding-DNA position 394, A replaced by C.
Protein change: p.Thr132Pro; replaces threonine 132 with proline.
Molecular consequence: missense variant. On other transcripts: non-coding transcript variant (2).
Genome position (GRCh38, 1-based): chr17:58,695,179, A>C. VCF-style: chr17-58695179-A-C. GRCh37 (hg19) VCF-style: chr17-56772540-A-C.
Other names: c.394A>C, p.Thr132Pro (NM_002876.4); short protein forms T132P.
Identifiers: ClinVar variation 996829 (VCV000996829.7), dbSNP rs2047959481, ClinGen allele CA400342010.

ClinVar aggregate classification (germline): Likely pathogenic. Review status: criteria provided, multiple submitters, no conflicts (2 of 4 stars). 4 submissions from 4 submitters: Likely pathogenic (4). Last evaluated 2025-03-05.

Conditions:
Hereditary breast ovarian cancer syndrome. Also called: Hereditary breast and ovarian cancer; Hereditary breast and ovarian cancer syndrome; Breast and ovarian cancer; BRCA1- and BRCA2-Associated Hereditary Breast and Ovarian Cancer; Hereditary breast and/or ovarian cancer syndrome; Hereditary breast and ovarian cancer syndrome (HBOC). Identifiers: Orphanet 145, MedGen C0677776, MeSH D061325, MONDO:0003582. Disease mechanism: loss of function.
Familial ovarian carcinoma. Also called: Hereditary ovarian carcinoma. Identifiers: MedGen C1333992, MONDO:0100514.
Breast-ovarian cancer, familial, susceptibility to, 3. Also called: RAD51C-Related Breast/Ovarian Cancer. Identifiers: Orphanet 145, MedGen C3150659, MONDO:0013253, OMIM 613399.

Submissions (4):

Institute of Human Genetics, University of Leipzig Medical Center
Classification: Likely pathogenic for Breast-ovarian cancer, familial, susceptibility to, 3. Last evaluated: 2025-03-05. Review status: criteria provided, single submitter. Criteria: ACMG Guidelines, 2015. Collection method: clinical testing. Allele origin: unknown. Inheritance: Autosomal dominant inheritance. Affected: yes.
Comment: Criteria applied: PS3,PM2,PP3

Myriad Genetics, Inc.
Classification: Likely pathogenic for Breast-ovarian cancer, familial, susceptibility to, 3. Last evaluated: 2024-11-25. Review status: criteria provided, single submitter. Criteria: Myriad Autosomal Dominant, Autosomal Recessive and X-Linked Classification Criteria (2023). Collection method: clinical testing. Allele origin: unknown.
Comment: This variant is considered likely pathogenic. Functional studies indicate this variant impacts protein function [PMID: 39299233, 36099300]. This variant is expected to disrupt protein structure [Myriad internal data].

German Consortium for Hereditary Breast and Ovarian Cancer, University Hospital Cologne
Classification: Likely pathogenic for Hereditary breast ovarian cancer syndrome. Last evaluated: 2024-01-05. Review status: criteria provided, single submitter. Criteria: ACMG Guidelines, 2015. Collection method: curation. Allele origin: germline.
Comment: Prakash et al 2022 HRD. According to the ACMG standard criteria we chose these criteria: PS3 (strong pathogenic): RAD51C–T132P showed little or no HR activity Sullivan et al, 2021 (PMID:33832919 ) and HR deficient in Prakash et al 2022 (PMID: 36099300), PM2 (supporting pathogenic): not in gnomAD, PP3 (supporting pathogenic): CADD:27.0 REVEL: 0.927 BayesDEL:0.418575

Swisher Lab, University of Washington
Classification: Likely pathogenic for Familial ovarian carcinoma. Last evaluated: 2021-01-28. Review status: criteria provided, single submitter. Criteria: ACMG Guidelines, 2015. Collection method: research. Allele origin: germline. Inheritance: Autosomal dominant inheritance. Affected: yes.
Comment: This variant is very rare and is not reported in approximately 250K alleles on the gnomad database. In silico analyses predict this amino acid substitution to be damaging including PolyPhen2 and SIFT. This missense variant occurs in a highly conserved amino acid, which is the terminal amino acid in the functionally important Walker A nucleotide binding motif GXXXXGKT, predicting that it would impair RAD51C nucleotide binding and/or hydrolysis and hence HR function. Functional studies in the laboratory of Dr. Maria Jasin revealed defective complexing with RAD51 paralogs and defects in homologous recombination (Sullivan et al, 2021).

Literature cited by the submitters: PubMed 39299233 (cited by Myriad Genetics, Inc.); PubMed 36099300 (cited by Myriad Genetics, Inc.); PubMed 33832919 (cited by Swisher Lab, University of Washington).